The following is an entry in ClinVar:

NM_003038.5(SLC1A4):c.1207G>A (p.Ala403Thr)

Gene: SLC1A4 (solute carrier family 1 member 4; plus strand). Cytogenetic location: 2p14.
Variant type: single nucleotide variant.
Coding change: c.1207G>A on transcript NM_003038.5 (MANE Select); coding-DNA position 1207, G replaced by A.
Protein change: p.Ala403Thr; replaces alanine 403 with threonine.
Molecular consequence: missense variant.
Genome position (GRCh38, 1-based): chr2:65,018,243, G>A. VCF-style: chr2-65018243-G-A. GRCh37 (hg19) VCF-style: chr2-65245377-G-A.
Other names: c.313G>A, p.Ala105Thr (NM_001193493.2); c.547G>A, p.Ala183Thr (NM_001348406.2, NM_001348407.2); short protein forms A403T, A105T, A183T.
Identifiers: ClinVar variation 2195534 (VCV002195534.1), dbSNP rs556018903, ClinGen allele CA1686101.

ClinVar aggregate classification (germline): Uncertain significance (1 of 4 stars; one submission).

Allele frequency attached by ClinVar (database versions not stated): ExAC 0.00004; gnomAD exomes 0.00004; gnomAD 0.00008; TOPMed 0.00009; 1000 Genomes Project 0.00040; 1000 Genomes Project 30x 0.00047.
gnomAD v4.1: 67 of 1,613,928 alleles (0.0042%); highest among the groups gnomAD compares: East Asian, 0.038%; no homozygotes.

Submission:

Labcorp Genetics (formerly Invitae), Labcorp
Classification: Uncertain significance. Last evaluated: 2022-07-19. Review status: criteria provided, single submitter. Criteria: Invitae Variant Classification Sherloc (09022015). Collection method: clinical testing. Allele origin: germline.
Comment: This sequence change replaces alanine, which is neutral and non-polar, with threonine, which is neutral and polar, at codon 403 of the SLC1A4 protein (p.Ala403Thr). This variant is present in population databases (rs556018903, gnomAD 0.02%). This variant has not been reported in the literature in individuals affected with SLC1A4-related conditions. Algorithms developed to predict the effect of missense changes on protein structure and function are either unavailable or do not agree on the potential impact of this missense change (SIFT: "Deleterious"; PolyPhen-2: "Possibly Damaging"; Align-GVGD: "Class C0"). In summary, the available evidence is currently insufficient to determine the role of this variant in disease. Therefore, it has been classified as a Variant of Uncertain Significance.